The following is an entry in ClinVar:

NM_012144.4(DNAI1):c.1312-109G>A

Gene: DNAI1 (dynein axonemal intermediate chain 1; plus strand). Cytogenetic location: 9p13.3.
Variant type: single nucleotide variant.
Coding change: c.1312-109G>A on transcript NM_012144.4 (MANE Select); 109 bases into the intron before coding-DNA position 1312, G replaced by A.
Molecular consequence: intron variant.
Genome position (GRCh38, 1-based): chr9:34,512,000, G>A. VCF-style: chr9-34512000-G-A. GRCh37 (hg19) VCF-style: chr9-34511998-G-A.
Other names: c.1324-109G>A (NM_001281428.2).
Identifiers: ClinVar variation 1706694 (VCV001706694.2), dbSNP rs77396606, ClinGen allele CA192649817.
Genomic context (GRCh38, chr9:34,512,000, plus strand): 5'-AGAGATGGATGGAAGGAGGGAGAAAGGACCAATCATGGGATTCTGGGAAATGGGCTCCCA[G>A]AAGTTGCTTCTGAGCCTCAGATGGGTGCTTGGGGGAGCCCTGCTCTGCCCACAGCCCTAA-3'

ClinVar aggregate classification (germline): Likely benign (1 of 4 stars; one submission).

Allele frequency attached by ClinVar (database versions not stated): gnomAD exomes 0.00124; gnomAD 0.01080; TOPMed 0.01191; 1000 Genomes Project 0.01478; 1000 Genomes Project 30x 0.01499.
gnomAD v4.1: 2,674 of 963,642 alleles (0.28%); highest among the groups gnomAD compares: African/African-American, 3.7%; 40 homozygotes.

Submission:

GeneDx
Classification: Likely benign. Last evaluated: 2019-05-28. Review status: criteria provided, single submitter. Criteria: GeneDx Variant Classification Process June 2021. Collection method: clinical testing. Allele origin: germline. Affected: yes.
Comment: See Variant Classification Assertion Criteria.